The following is an entry in ClinVar:

ClinVar aggregate classification (germline): Pathogenic (1 of 4 stars; one submission).

Conditions:
Joubert syndrome 23 (JBTS23). Identifiers: Orphanet 475, MedGen C4084822, MONDO:0014664, OMIM 616490.
Short-rib thoracic dysplasia 14 with polydactyly (SRTD14). Identifiers: Orphanet 397715, MedGen C4225286, MONDO:0014688, OMIM 616546.

Submission:

Labcorp Genetics (formerly Invitae), Labcorp
Classification: Pathogenic for Joubert syndrome 23; Short-rib thoracic dysplasia 14 with polydactyly. Last evaluated: 2022-05-29. Review status: criteria provided, single submitter. Criteria: Invitae Variant Classification Sherloc (09022015). Collection method: clinical testing. Allele origin: germline.
Comment: For these reasons, this variant has been classified as Pathogenic. This variant has not been reported in the literature in individuals affected with KIAA0586-related conditions. This variant is not present in population databases (gnomAD no frequency). This sequence change creates a premature translational stop signal (p.Asp271Alafs*21) in the KIAA0586 gene. It is expected to result in an absent or disrupted protein product. Loss-of-function variants in KIAA0586 are known to be pathogenic (PMID: 26096313, 26166481, 26386044).

Literature cited by the submitters: PubMed 26096313; PubMed 26166481; PubMed 26386044.

NM_001329943.3(KIAA0586):c.653_663del (p.Asp218fs)

Gene: KIAA0586 (KIAA0586; plus strand). Cytogenetic location: 14q23.1.
Variant type: Deletion.
Coding change: c.653_663del on transcript NM_001329943.3 (MANE Select); coding-DNA positions 653 to 663, 11 bases deleted (ATAAACACCTG).
Protein change: p.Asp218fs; shifts the reading frame from aspartic acid 218.
Molecular consequence: frameshift variant.
Genome position (GRCh38, 1-based): chr14:58,444,021-58,444,031, ATAAACACCTG deleted; deleting any 11 consecutive bases within chr14:58,444,018-58,444,031 gives the same sequence; the c. name uses the placement nearest the transcript's 3' end. VCF-style (leftmost placement, unchanged base first): chr14-58444017-ACTGATAAACAC-A. GRCh37 (hg19) VCF-style: chr14-58910735-ACTGATAAACAC-A.
Other names: c.812_822del, p.Asp271fs (NM_001244189.2); c.608_618del, p.Asp203fs (NM_001244190.2); c.398_408del, p.Asp133fs (NM_001244191.2, NM_001329945.2, NM_001364700.1 and 1 more transcripts); c.521_531del, p.Asp174fs (NM_001244192.2); c.233_243del, p.Asp78fs (NM_001244193.2); c.653_663del, p.Asp218fs (NM_001329944.2, NM_001329946.2, NM_001329947.2 and 1 more transcripts); short protein forms D203fs, D218fs, D271fs, D133fs, D174fs, D78fs.
Identifiers: ClinVar variation 1899465 (VCV001899465.5), dbSNP rs2542819525, ClinGen allele CA2580088285.